The following is an entry in ClinVar:

NM_000687.4(AHCY):c.366C>G (p.Asp122Glu)

Gene: AHCY (adenosylhomocysteinase; minus strand). Cytogenetic location: 20q11.22.
Variant type: single nucleotide variant.
Coding change: c.366C>G on transcript NM_000687.4 (MANE Select); coding-DNA position 366, C replaced by G.
Protein change: p.Asp122Glu; replaces aspartic acid 122 with glutamic acid.
Molecular consequence: missense variant.
Genome position (GRCh38, 1-based): chr20:34,292,437, G>C on the plus strand (C>G on the coding strand, the complement: AHCY is on the minus strand). VCF-style: chr20-34292437-G-C. GRCh37 (hg19) VCF-style: chr20-32880243-G-C.
Other names: c.282C>G, p.Asp94Glu (NM_001161766.2, NM_001322084.2, NM_001322085.2); c.372C>G, p.Asp124Glu (NM_001322086.2); c.366C>G, p.Asp122Glu (NM_001362750.2); short protein forms D124E, D94E, D122E.
Identifiers: ClinVar variation 1384825 (VCV001384825.3), dbSNP rs141935523, ClinGen allele CA9821027.

ClinVar aggregate classification (germline): Uncertain significance (1 of 4 stars; one submission).

Conditions:
Hypermethioninemia with deficiency of S-adenosylhomocysteine hydrolase. Identifiers: Orphanet 88618, MedGen C3151058, MONDO:0013404, OMIM 613752.

Allele frequency attached by ClinVar (database versions not stated): ESP Exome Variant Server 0.00023.
gnomAD v4.1: 28 of 1,613,930 alleles (0.0017%); highest among the groups gnomAD compares: African/African-American, 0.027%; no homozygotes.

Submission:

Labcorp Genetics (formerly Invitae), Labcorp
Classification: Uncertain significance for Hypermethioninemia with deficiency of S-adenosylhomocysteine hydrolase. Last evaluated: 2022-07-19. Review status: criteria provided, single submitter. Criteria: Invitae Variant Classification Sherloc (09022015). Collection method: clinical testing. Allele origin: germline.
Comment: This sequence change replaces aspartic acid, which is acidic and polar, with glutamic acid, which is acidic and polar, at codon 122 of the AHCY protein (p.Asp122Glu). This variant is present in population databases (rs141935523, gnomAD 0.02%). This variant has not been reported in the literature in individuals affected with AHCY-related conditions. ClinVar contains an entry for this variant (Variation ID: 1384825). Algorithms developed to predict the effect of missense changes on protein structure and function are either unavailable or do not agree on the potential impact of this missense change (SIFT: "Not Available"; PolyPhen-2: "Benign"; Align-GVGD: "Not Available"). In summary, the available evidence is currently insufficient to determine the role of this variant in disease. Therefore, it has been classified as a Variant of Uncertain Significance.